The following is an entry in ClinVar:

NM_014244.5(ADAMTS2):c.1516-3C>T

Gene: ADAMTS2 (ADAM metallopeptidase with thrombospondin type 1 motif 2; minus strand). Cytogenetic location: 5q35.3.
Variant type: single nucleotide variant.
Coding change: c.1516-3C>T on transcript NM_014244.5 (MANE Select); 3 bases into the intron before coding-DNA position 1516, C replaced by T.
Molecular consequence: intron variant.
Genome position (GRCh38, 1-based): chr5:179,152,258, G>A on the plus strand (C>T on the coding strand, the complement: ADAMTS2 is on the minus strand). VCF-style: chr5-179152258-G-A. GRCh37 (hg19) VCF-style: chr5-178579259-G-A.
Other names: c.1516-3C>T (NM_021599.4).
Identifiers: ClinVar variation 967295 (VCV000967295.8), dbSNP rs1763376048, ClinGen allele CA1139659291.
Genomic context (GRCh38, chr5:179,152,258, plus strand): 5'-AGTAGGGGTTGTCAGGATGGCTGCACCACAGCTGCTTGCAGGGGTCAAAGGTCCGGAACT[G>A]GAAGACAGCACCATAGCTTGCCAGGTCCCTCCCACCTCAGGGACCTCCCAGGGATGCCAC-3'

ClinVar aggregate classification (germline): Uncertain significance. Review status: criteria provided, single submitter (1 of 4 stars). 2 submissions from 2 submitters: Uncertain significance (1). 1 of the submissions does not count toward it. Last evaluated 2021-08-24.

Conditions:
Ehlers-Danlos syndrome, dermatosparaxis type. Also called: Dermatosparaxis; EDS VIIC; Ehlers-Danlos syndrome, type VII, autosomal recessive. Identifiers: Orphanet 1901, MedGen C2700425, MONDO:0009161, OMIM 225410.

Submissions (2):

Labcorp Genetics (formerly Invitae), Labcorp
Classification: Uncertain significance for Ehlers-Danlos syndrome, dermatosparaxis type. Last evaluated: 2021-08-24. Review status: criteria provided, single submitter. Criteria: Invitae Variant Classification Sherloc (09022015). Collection method: clinical testing. Allele origin: germline.
Comment: This sequence change falls in intron 9 of the ADAMTS2 gene. It does not directly change the encoded amino acid sequence of the ADAMTS2 protein. It affects a nucleotide within the consensus splice site of the intron. This variant is not present in population databases (ExAC no frequency). This variant has not been reported in the literature in individuals affected with ADAMTS2-related conditions. Variants that disrupt the consensus splice site are a relatively common cause of aberrant splicing (PMID: 17576681, 9536098). Algorithms developed to predict the effect of sequence changes on RNA splicing suggest that this variant is not likely to affect RNA splicing. In summary, the available evidence is currently insufficient to determine the role of this variant in disease. Therefore, it has been classified as a Variant of Uncertain Significance.

Natera, Inc.
Classification: Uncertain significance for Ehlers-Danlos syndrome type VIIC. Last evaluated: 2025-05-22. Review status: no assertion criteria provided. Collection method: clinical testing. Allele origin: germline. Not counted in ClinVar's aggregate classification.

Literature cited by the submitters: PubMed 17576681 (cited by Labcorp Genetics (formerly Invitae), Labcorp); PubMed 9536098 (cited by Labcorp Genetics (formerly Invitae), Labcorp).